The following is an entry in ClinVar:

NM_001025356.3(ANO6):c.1165+20_1165+21del

Gene: ANO6 (anoctamin 6; plus strand). Cytogenetic location: 12q12.
Variant type: Deletion.
Coding change: c.1165+20_1165+21del on transcript NM_001025356.3 (MANE Select); bases 20 to 21 of the intron after coding-DNA position 1165, 2 bases deleted (TT; older notation c.1165+20_1165+21delTT).
Molecular consequence: intron variant.
Genome position (GRCh38, 1-based): chr12:45,378,133-45,378,134, TT deleted; deleting any 2 consecutive bases within chr12:45,378,119-45,378,134 gives the same sequence; the c. name uses the placement nearest the transcript's 3' end. VCF-style (leftmost placement, unchanged base first): chr12-45378118-GTT-G. GRCh37 (hg19) VCF-style: chr12-45771901-GTT-G.
Other names: p.?; c.1165+20_1165+21del (NM_001142679.2); c.1228+20_1228+21del (NM_001204803.2); c.1132+20_1132+21del (NM_001410973.1); c.1111+20_1111+21del (NM_001142678.2).
Identifiers: ClinVar variation 4683747 (VCV004683747.2).

ClinVar aggregate classification (germline): Likely benign. Review status: criteria provided, multiple submitters, no conflicts (2 of 4 stars). 2 submissions from 2 submitters: Likely benign (2). Last evaluated 2025-04-07.

Submissions (2):

Mayo Clinic Laboratories, Mayo Clinic
Classification: Likely benign. Last evaluated: 2025-04-07. Review status: criteria provided, single submitter. Criteria: ACMG Guidelines, 2015. Collection method: clinical testing. Allele origin: germline. Observed: 1 variant allele.
Comment: BS1, BP4, BP7

Blueprint Genetics
Classification: Likely benign. Last evaluated: 2024-11-21. Review status: criteria provided, single submitter. Criteria: ACMG Guidelines, 2015. Collection method: clinical testing. Allele origin: germline.